The following is an entry in ClinVar:

ClinVar aggregate classification (germline): Uncertain significance (1 of 4 stars; one submission).

Submission:

GeneDx
Classification: Uncertain significance. Last evaluated: 2025-12-29. Review status: criteria provided, single submitter. Criteria: GeneDx Variant Classification Process June 2021. Collection method: clinical testing. Allele origin: germline.
Comment: Not observed at significant frequency in large population cohorts (gnomAD); In silico analysis supports that this missense variant has a deleterious effect on protein structure/function; Has not been previously published as pathogenic or benign to our knowledge.

NM_018082.6(POLR3B):c.2797G>A (p.Gly933Ser)

Gene: POLR3B (RNA polymerase III subunit B; plus strand). Cytogenetic location: 12q23.3.
Variant type: single nucleotide variant.
Coding change: c.2797G>A on transcript NM_018082.6 (MANE Select); coding-DNA position 2797, G replaced by A.
Protein change: p.Gly933Ser; replaces glycine 933 with serine.
Molecular consequence: missense variant.
Genome position (GRCh38, 1-based): chr12:106,496,138, G>A. VCF-style: chr12-106496138-G-A. GRCh37 (hg19) VCF-style: chr12-106889916-G-A.
Other names: c.2623G>A, p.Gly875Ser (NM_001160708.2); short protein forms G875S, G933S.
Identifiers: ClinVar variation 4529528 (VCV004529528.2).